The following is an entry in ClinVar:

NM_000393.5(COL5A2):c.1361C>T (p.Pro454Leu)

Gene: COL5A2 (collagen type V alpha 2 chain; minus strand). Cytogenetic location: 2q32.2.
Variant type: single nucleotide variant.
Coding change: c.1361C>T on transcript NM_000393.5 (MANE Select); coding-DNA position 1361, C replaced by T.
Protein change: p.Pro454Leu; replaces proline 454 with leucine.
Molecular consequence: missense variant.
Genome position (GRCh38, 1-based): chr2:189,068,055, G>A on the plus strand (C>T on the coding strand, the complement: COL5A2 is on the minus strand). VCF-style: chr2-189068055-G-A. GRCh37 (hg19) VCF-style: chr2-189932781-G-A.
Other names: short protein forms P454L.
Identifiers: ClinVar variation 2805647 (VCV002805647.3), dbSNP rs2469311041, ClinGen allele CA349852702.

ClinVar aggregate classification (germline): Uncertain significance (1 of 4 stars; one submission).

Conditions:
Ehlers-Danlos syndrome, classic type, 1 (EDSCL1). Also called: EHLERS-DANLOS SYNDROME, GRAVIS TYPE; EHLERS-DANLOS SYNDROME, SEVERE CLASSIC TYPE; Ehlers-Danlos syndrome, type 1; Ehlers-Danlos Syndrome, Classic Type, COL5A1-Related; EDS I. Identifiers: MedGen C0268335, MONDO:0019567, OMIM 130000.

Submission:

Labcorp Genetics (formerly Invitae), Labcorp
Classification: Uncertain significance for Ehlers-Danlos syndrome, classic type, 1. Last evaluated: 2023-04-22. Review status: criteria provided, single submitter. Criteria: Invitae Variant Classification Sherloc (09022015). Collection method: clinical testing. Allele origin: germline.
Comment: In summary, the available evidence is currently insufficient to determine the role of this variant in disease. Therefore, it has been classified as a Variant of Uncertain Significance. Advanced modeling of protein sequence and biophysical properties (such as structural, functional, and spatial information, amino acid conservation, physicochemical variation, residue mobility, and thermodynamic stability) performed at Invitae indicates that this missense variant is not expected to disrupt COL5A2 protein function. This variant has not been reported in the literature in individuals affected with COL5A2-related conditions. This variant is not present in population databases (gnomAD no frequency). This sequence change replaces proline, which is neutral and non-polar, with leucine, which is neutral and non-polar, at codon 454 of the COL5A2 protein (p.Pro454Leu).